The following is an entry in ClinVar:

ClinVar aggregate classification (germline): Uncertain significance. Review status: criteria provided, multiple submitters, no conflicts (2 of 4 stars). 2 submissions from 2 submitters: Uncertain significance (2). Last evaluated 2025-12-08.

Conditions:
Hereditary cancer-predisposing syndrome. Also called: Neoplastic Syndromes, Hereditary; Hereditary neoplastic syndrome; Tumor predisposition; Hereditary Cancer Syndrome. Identifiers: Orphanet 140162, MedGen C0027672, MeSH D009386, MONDO:0015356.
Neuroblastoma, susceptibility to, 3. Also called: ALK-Related Neuroblastic Tumor Susceptibility. Identifiers: Orphanet 635, MedGen C2751681, MONDO:0013083, OMIM 613014.

Allele frequency attached by ClinVar (database versions not stated): TOPMed 0.00001; ExAC 0.00002; gnomAD exomes 0.00002.
gnomAD v4.1: 28 of 1,614,218 alleles (0.0017%); highest among the groups gnomAD compares: Middle Eastern, 0.016%; no homozygotes.

Submissions (2):

Labcorp Genetics (formerly Invitae), Labcorp
Classification: Uncertain significance for Neuroblastoma, susceptibility to, 3. Last evaluated: 2025-12-08. Review status: criteria provided, single submitter. Criteria: Invitae Variant Classification Sherloc (09022015). Collection method: clinical testing. Allele origin: germline.
Comment: This sequence change replaces glutamic acid, which is acidic and polar, with glycine, which is neutral and non-polar, at codon 1000 of the ALK protein (p.Glu1000Gly). This variant is present in population databases (rs776287213, gnomAD 0.004%). This variant has not been reported in the literature in individuals affected with ALK-related conditions. ClinVar contains an entry for this variant (Variation ID: 665247). An algorithm developed to predict the effect of missense changes on protein structure and function (PolyPhen-2) suggests that this variant is likely to be tolerated. In summary, the available evidence is currently insufficient to determine the role of this variant in disease. Therefore, it has been classified as a Variant of Uncertain Significance.

Ambry Genetics
Classification: Uncertain significance for Hereditary cancer-predisposing syndrome. Last evaluated: 2024-03-19. Review status: criteria provided, single submitter. Criteria: Ambry Variant Classification Scheme 2023. Collection method: clinical testing. Allele origin: germline.
Comment: The p.E1000G variant (also known as c.2999A>G), located in coding exon 18 of the ALK gene, results from an A to G substitution at nucleotide position 2999. The glutamic acid at codon 1000 is replaced by glycine, an amino acid with similar properties. This amino acid position is conserved. In addition, this alteration is predicted to be tolerated by in silico analysis. Since supporting evidence is limited at this time, the clinical significance of this alteration remains unclear.

NM_004304.5(ALK):c.2999A>G (p.Glu1000Gly)

Gene: ALK (ALK receptor tyrosine kinase; minus strand). Cytogenetic location: 2p23.2.
Variant type: single nucleotide variant.
Coding change: c.2999A>G on transcript NM_004304.5 (MANE Select); coding-DNA position 2999, A replaced by G.
Protein change: p.Glu1000Gly; replaces glutamic acid 1000 with glycine.
Molecular consequence: missense variant.
Genome position (GRCh38, 1-based): chr2:29,226,990, T>C on the plus strand (A>G on the coding strand, the complement: ALK is on the minus strand). VCF-style: chr2-29226990-T-C. GRCh37 (hg19) VCF-style: chr2-29449856-T-C.
Other names: short protein forms E1000G.
Identifiers: ClinVar variation 665247 (VCV000665247.10), dbSNP rs776287213, ClinGen allele CA1594116.